The following is an entry in ClinVar:

ClinVar aggregate classification (germline): Pathogenic (1 of 4 stars; one submission).

Conditions:
Duchenne muscular dystrophy (DMD). Also called: Duchenne Muscular Dystrophy (DMD); MUSCULAR DYSTROPHY, PSEUDOHYPERTROPHIC PROGRESSIVE, DUCHENNE TYPE. Identifiers: Orphanet 98896, MedGen C0013264, MONDO:0010679, OMIM 310200.

Submission:

Labcorp Genetics (formerly Invitae), Labcorp
Classification: Pathogenic for Duchenne muscular dystrophy. Last evaluated: 2019-07-22. Review status: criteria provided, single submitter. Criteria: Invitae Variant Classification Sherloc (09022015). Collection method: clinical testing. Allele origin: germline.
Comment: For these reasons, this variant has been classified as Pathogenic. Loss-of-function variants in DMD are known to be pathogenic (PMID: 16770791, 25007885). This variant is not present in population databases (ExAC no frequency). This sequence change creates a premature translational stop signal (p.Pro2394Thrfs*16) in the DMD gene. It is expected to result in an absent or disrupted protein product.

Literature cited by the submitters: PubMed 16770791; PubMed 25007885.

NM_004006.3(DMD):c.7179dup (p.Pro2394fs)

Gene: DMD (dystrophin; minus strand). Cytogenetic location: Xp21.1.
Variant type: Duplication.
Coding change: c.7179dup on transcript NM_004006.3 (MANE Select); coding-DNA position 7179, one base duplicated (A; older notation c.7179dupA).
Protein change: p.Pro2394fs; shifts the reading frame from proline 2394.
Molecular consequence: frameshift variant. On other transcripts: 5 prime UTR variant (5).
Genome position (GRCh38, 1-based): chrX:31,836,739, T duplicated on the plus strand (A on the coding strand, the reverse complement: DMD is on the minus strand); the first of 5 consecutive T bases (chrX:31,836,739-31,836,743); duplicating any one gives the same sequence. VCF-style (leftmost placement, unchanged base first): chrX-31836738-G-GT. GRCh37 (hg19) VCF-style: chrX-31854855-G-GT.
Other names: c.7155dup, p.Pro2386fs (NM_000109.4); c.7167dup, p.Pro2390fs (NM_004009.3); c.6810dup, p.Pro2271fs (NM_004010.3); c.3156dup, p.Pro1053fs (NM_004011.4); c.3147dup, p.Pro1050fs (NM_004012.4); c.-202dup (NM_004013.3, NM_004020.4, NM_004021.3 and 2 more transcripts); short protein forms P1050fs, P1053fs, P2390fs, P2394fs, P2271fs, P2386fs.
Identifiers: ClinVar variation 940477 (VCV000940477.10), dbSNP rs2093207581, ClinGen allele CA1139667357.
Genomic context (GRCh38, chrX:31,836,738, plus strand): 5'-ATTATGAGGTAATGGATATTGCTAGAGGTTGCTTCATTACCTTCACTGGCTGAGTGGCTG[G>GT]TTTTTCCTTGTACAAATGCTGCCCTTTAGACAAAATCTCTTCCACATCCGGTTGTTTAGC-3'